The following is an entry in ClinVar:

ClinVar aggregate classification (germline): Uncertain significance (1 of 4 stars; one submission).

Conditions:
Hypertrophic cardiomyopathy. Also called: HYPERTROPHIC MYOCARDIOPATHY. Identifiers: Orphanet 217569, MedGen C0007194, MeSH D002312, MONDO:0005045, HP:0001639.

gnomAD v4.1: 1 of 1,613,984 alleles (0.000062%); highest among the groups gnomAD compares: Admixed American, 0.0017%; no homozygotes.

Submission:

All of Us Research Program, National Institutes of Health
Classification: Uncertain significance for Hypertrophic cardiomyopathy. Last evaluated: 2023-03-09. Review status: criteria provided, single submitter. Criteria: ACMG Guidelines, 2015. Collection method: clinical testing. Allele origin: germline. Inheritance: Autosomal dominant inheritance. Observed: 1 variant allele, 1 heterozygote.
Comment: This missense variant replaces alanine with serine at codon 20 of the MYL3 protein. Computational prediction suggests that this variant may not impact protein structure and function (internally defined REVEL score threshold <= 0.5, PMID: 27666373). To our knowledge, functional studies have not been reported for this variant. This variant has not been reported in individuals affected with MYL3-related disorders in the literature. This variant has been identified in 1/250892 chromosomes in the general population by the Genome Aggregation Database (gnomAD). The available evidence is insufficient to determine the role of this variant in disease conclusively. Therefore, this variant is classified as a Variant of Uncertain Significance.

This study involves interpretation of variants in research participants for the purpose of population health screening. Participant phenotype was not available at the time of variant classification. Additional details can be found in publication PMID: 35346344, PMCID: PMC8962531

NM_000258.3(MYL3):c.58G>T (p.Ala20Ser)

Gene: MYL3 (myosin light chain 3; minus strand). Cytogenetic location: 3p21.31.
Variant type: single nucleotide variant.
Coding change: c.58G>T on transcript NM_000258.3 (MANE Select); coding-DNA position 58, G replaced by T.
Protein change: p.Ala20Ser; replaces alanine 20 with serine.
Molecular consequence: missense variant.
Genome position (GRCh38, 1-based): chr3:46,863,333, C>A on the plus strand (G>T on the coding strand, the complement: MYL3 is on the minus strand). VCF-style: chr3-46863333-C-A. GRCh37 (hg19) VCF-style: chr3-46904823-C-A.
Other names: c.58G>T, p.Ala20Ser (NM_001406937.1, NM_001406938.1, NM_001406939.1); short protein forms A20S.
Identifiers: ClinVar variation 3069838 (VCV003069838.1), dbSNP rs1384774790, ClinGen allele CA352499736.